The following is an entry in ClinVar:

NM_005883.3(APC2):c.6743G>A (p.Gly2248Asp)

Gene: APC2 (APC regulator of Wnt signaling pathway 2; plus strand). Cytogenetic location: 19p13.3.
Variant type: single nucleotide variant.
Coding change: c.6743G>A on transcript NM_005883.3 (MANE Select); coding-DNA position 6743, G replaced by A.
Protein change: p.Gly2248Asp; replaces glycine 2248 with aspartic acid.
Molecular consequence: missense variant.
Genome position (GRCh38, 1-based): chr19:1,470,044, G>A. VCF-style: chr19-1470044-G-A. GRCh37 (hg19) VCF-style: chr19-1470043-G-A.
Other names: c.6740G>A, p.Gly2247Asp (NM_001351273.1); c.6743G>A (NM_005883.2); short protein forms G2247D, G2248D.
Identifiers: ClinVar variation 2189845 (VCV002189845.5), dbSNP rs753415312, ClinGen allele CA9046182.

ClinVar aggregate classification (germline): Uncertain significance. Review status: criteria provided, multiple submitters, no conflicts (2 of 4 stars). 2 submissions from 2 submitters: Uncertain significance (2). Last evaluated 2025-10-09.

Conditions:
Inborn genetic diseases. Identifiers: MedGen C0950123, MeSH D030342.

Allele frequency attached by ClinVar (database versions not stated): gnomAD 0.00006; TOPMed 0.00006; ExAC 0.00008; gnomAD exomes 0.00015.
gnomAD v4.1: 244 of 1,573,052 alleles (0.016%); highest among the groups gnomAD compares: Non-Finnish European, 0.018%; 1 homozygote.

Submissions (2):

Labcorp Genetics (formerly Invitae), Labcorp
Classification: Uncertain significance. Last evaluated: 2025-10-09. Review status: criteria provided, single submitter. Criteria: Invitae Variant Classification Sherloc (09022015). Collection method: clinical testing. Allele origin: germline.
Comment: This sequence change replaces glycine, which is neutral and non-polar, with aspartic acid, which is acidic and polar, at codon 2248 of the APC2 protein (p.Gly2248Asp). This variant is present in population databases (rs753415312, gnomAD 0.01%). This variant has not been reported in the literature in individuals affected with APC2-related conditions. ClinVar contains an entry for this variant (Variation ID: 2189845). An algorithm developed to predict the effect of missense changes on protein structure and function (PolyPhen-2) suggests that this variant is likely to be tolerated. In summary, the available evidence is currently insufficient to determine the role of this variant in disease. Therefore, it has been classified as a Variant of Uncertain Significance.

Ambry Genetics
Classification: Uncertain significance for Inborn genetic diseases. Last evaluated: 2025-01-26. Review status: criteria provided, single submitter. Criteria: Ambry Variant Classification Scheme 2023. Collection method: clinical testing. Allele origin: germline.